The following is an entry in ClinVar:

ClinVar aggregate classification (germline): Uncertain significance (1 of 4 stars; one submission).

Conditions:
Neuroblastoma, susceptibility to, 3. Also called: ALK-Related Neuroblastic Tumor Susceptibility. Identifiers: Orphanet 635, MedGen C2751681, MONDO:0013083, OMIM 613014.

Submission:

Labcorp Genetics (formerly Invitae), Labcorp
Classification: Uncertain significance for Neuroblastoma, susceptibility to, 3. Last evaluated: 2023-07-08. Review status: criteria provided, single submitter. Criteria: Invitae Variant Classification Sherloc (09022015). Collection method: clinical testing. Allele origin: germline.
Comment: This sequence change replaces lysine, which is basic and polar, with asparagine, which is neutral and polar, at codon 1431 of the ALK protein (p.Lys1431Asn). In summary, the available evidence is currently insufficient to determine the role of this variant in disease. Therefore, it has been classified as a Variant of Uncertain Significance. An algorithm developed to predict the effect of missense changes on protein structure and function (PolyPhen-2) suggests that this variant is likely to be tolerated. This variant has not been reported in the literature in individuals affected with ALK-related conditions. This variant is not present in population databases (gnomAD no frequency).

NM_004304.5(ALK):c.4293A>C (p.Lys1431Asn)

Gene: ALK (ALK receptor tyrosine kinase; minus strand). Cytogenetic location: 2p23.2.
Variant type: single nucleotide variant.
Coding change: c.4293A>C on transcript NM_004304.5 (MANE Select); coding-DNA position 4293, A replaced by C.
Protein change: p.Lys1431Asn; replaces lysine 1431 with asparagine.
Molecular consequence: missense variant.
Genome position (GRCh38, 1-based): chr2:29,193,794, T>G on the plus strand (A>C on the coding strand, the complement: ALK is on the minus strand). VCF-style: chr2-29193794-T-G. GRCh37 (hg19) VCF-style: chr2-29416660-T-G.
Other names: c.1089A>C, p.Lys363Asn (NM_001353765.2); short protein forms K1431N, K363N.
Identifiers: ClinVar variation 2738125 (VCV002738125.3), dbSNP rs1573078992, ClinGen allele CA346462761.
Genomic context (GRCh38, chr2:29,193,794, plus strand): 5'-CTTGCCAGAGGAGGTGGTAGGCAGAGGTGGTGGGGCAGCTGGGCTGCGCTCCTCCTCCCG[T>G]TTTGCCTGTTGAGAGACCAGGAGAGGAGGAACCCCCTCAGGGTCCTTGGGCCTCACAGGC-3'
Protein context (NP_004295.2, residues 1421-1441): VPPLLVSQQA[Lys1431Asn]REEERSPAAP